The following is an entry in ClinVar:

NM_000182.5(HADHA):c.1080T>G (p.Asp360Glu)

Gene: HADHA (hydroxyacyl-CoA dehydrogenase trifunctional multienzyme complex subunit alpha; minus strand). Cytogenetic location: 2p23.3.
Variant type: single nucleotide variant.
Coding change: c.1080T>G on transcript NM_000182.5 (MANE Select); coding-DNA position 1080, T replaced by G.
Protein change: p.Asp360Glu; replaces aspartic acid 360 with glutamic acid.
Molecular consequence: missense variant.
Genome position (GRCh38, 1-based): chr2:26,209,785, A>C on the plus strand (T>G on the coding strand, the complement: HADHA is on the minus strand). VCF-style: chr2-26209785-A-C. GRCh37 (hg19) VCF-style: chr2-26432654-A-C.
Other names: c.1080T>G (NM_000182.4); short protein forms D360E.
Identifiers: ClinVar variation 2179280 (VCV002179280.6), dbSNP rs753001959, ClinGen allele CA1559682.
Genomic context (GRCh38, chr2:26,209,785, plus strand): 5'-TGAACTTTGCACACAGTAAAATTCACAAGGGCTTCCTACGTAGAGTTTAACTTACTTAAC[A>C]TCCTTCTGTGGAGCTCCAAATTTATTCTTCTTGCACAGGACCTGACCATGGTAGAGTCCC-3'
Protein context (NP_000173.2, residues 350-370): KKNKFGAPQK[Asp360Glu]VKHLAILGAG

ClinVar aggregate classification (germline): Conflicting classifications of pathogenicity. Review status: criteria provided, conflicting classifications (1 of 4 stars). 3 submissions from 3 submitters: Uncertain significance (1); Benign (1); Likely benign (1). Last evaluated 2025-02-20.

Conditions:
Long chain 3-hydroxyacyl-CoA dehydrogenase deficiency. Also called: Deficiency of long-chain 3-hydroxyacyl-coenzyme A dehydrogenase; LCHAD Deficiency. Identifiers: Orphanet 5, MedGen C3711645, MONDO:0012173, OMIM 609016.
Mitochondrial trifunctional protein deficiency. Identifiers: Orphanet 746, MedGen C1969443, MONDO:0012172.
Inborn genetic diseases. Identifiers: MedGen C0950123, MeSH D030342.

Allele frequency attached by ClinVar (database versions not stated): TOPMed below 0.00001; ExAC 0.00005.
gnomAD v4.1: 26 of 1,495,116 alleles (0.0017%); highest among the groups gnomAD compares: South Asian, 0.029%; no homozygotes.

Submissions (3):

GeneDx
Classification: Uncertain significance. Last evaluated: 2025-02-20. Review status: criteria provided, single submitter. Criteria: GeneDx Variant Classification Process June 2021. Collection method: clinical testing. Allele origin: germline. Affected: yes.
Comment: In silico analysis indicates that this missense variant does not alter protein structure/function; Has not been previously published as pathogenic or benign to our knowledge; In silico analysis suggests this variant may impact gene splicing. In the absence of RNA/functional studies, the actual effect of this sequence change is unknown.

Ambry Genetics
Classification: Likely benign for Inborn genetic diseases. Last evaluated: 2024-07-30. Review status: criteria provided, single submitter. Criteria: Ambry Variant Classification Scheme 2023. Collection method: clinical testing. Allele origin: germline.

Labcorp Genetics (formerly Invitae), Labcorp
Classification: Benign for Mitochondrial trifunctional protein deficiency; Long chain 3-hydroxyacyl-CoA dehydrogenase deficiency. Last evaluated: 2023-08-16. Review status: criteria provided, single submitter. Criteria: Invitae Variant Classification Sherloc (09022015). Collection method: clinical testing. Allele origin: germline.